The following is an entry in ClinVar:

ClinVar aggregate classification (germline): Conflicting classifications of pathogenicity. Review status: criteria provided, conflicting classifications (1 of 4 stars). 2 submissions from 2 submitters: Likely pathogenic (1); Uncertain significance (1). Last evaluated 2026-08-27.

Conditions:
Hereditary cancer-predisposing syndrome. Also called: Hereditary Cancer Syndrome; Neoplastic Syndromes, Hereditary; Hereditary neoplastic syndrome; Tumor predisposition. Identifiers: Orphanet 140162, MedGen C0027672, MeSH D009386, MONDO:0015356.

Submissions (2):

GeneDx
Classification: Likely pathogenic. Last evaluated: 2026-08-27. Review status: criteria provided, single submitter. Criteria: GeneDx Variant Classification Process June 2021. Collection method: clinical testing. Allele origin: germline.
Comment: Observed in individuals reported to have features of congenital central hypoventilation syndrome (CCHS) referred for genetic testing at GeneDx and in the published literature (PMID: 33958749); In-frame deletion of 1 amino acid in a non-repeat region; Not observed at significant frequency in large population cohorts (gnomAD); In silico analysis supports a deleterious effect on protein structure/function; This variant is associated with the following publications: (PMID: 33958749)

Ambry Genetics
Classification: Uncertain significance for Hereditary cancer-predisposing syndrome. Last evaluated: 2026-03-03. Review status: criteria provided, single submitter. Criteria: Ambry Variant Classification Scheme 2023. Collection method: clinical testing. Allele origin: germline.
Comment: The c.360_362delTCA variant (also known as p.H121del) is located in coding exon 2 of the PHOX2B gene. This variant results from an in-frame TCA deletion at nucleotide positions 360 to 362. This results in the in-frame deletion of a histidine at codon 121. This variant was reported in individuals with features consistent with PHOX2B-related congenital central hypoventilation syndrome (Zhou A et al. Genet Med, 2021 Sep;23:1656-1663; Ambry internal data). This amino acid position is highly conserved in available vertebrate species. In addition, this variant is predicted to be deleterious by in silico analysis (Choi Y et al. PLoS ONE. 2012; 7(10):e46688). Based on the available evidence, the clinical significance of this variant remains unclear.

Literature cited by the submitters: PubMed 33958749 (cited by Ambry Genetics).

NM_003924.4(PHOX2B):c.360_362del (p.His121del)

Gene: PHOX2B (paired like homeobox 2B; minus strand). Cytogenetic location: 4p13.
Variant type: Deletion.
Coding change: c.360_362del on transcript NM_003924.4 (MANE Select); coding-DNA positions 360 to 362, 3 bases deleted (TCA; older notation c.360_362delTCA).
Protein change: p.His121del; deletes histidine 121.
Molecular consequence: inframe deletion.
Genome position (GRCh38, 1-based): chr4:41,747,416-41,747,418, TGA deleted on the plus strand (TCA on the coding strand, the reverse complement: PHOX2B is on the minus strand). VCF-style (leftmost placement, unchanged base first): chr4-41747415-GTGA-G. GRCh37 (hg19) VCF-style: chr4-41749432-GTGA-G.
Other names: c.360_362delTCA (NM_003924.3); short protein forms H121del.
Identifiers: ClinVar variation 1307493 (VCV001307493.6), dbSNP rs2153112938, ClinGen allele CA2573052330.